The following is an entry in ClinVar:

ClinVar aggregate classification (germline): Uncertain significance (1 of 4 stars; one submission).

gnomAD v4.1: 3 of 1,585,972 alleles (0.00019%); highest among the groups gnomAD compares: East Asian, 0.0023%; no homozygotes.

Submission:

Labcorp Genetics (formerly Invitae), Labcorp
Classification: Uncertain significance. Last evaluated: 2025-09-29. Review status: criteria provided, single submitter. Criteria: Invitae Variant Classification Sherloc (09022015). Collection method: clinical testing. Allele origin: germline.
Comment: This sequence change replaces isoleucine, which is neutral and non-polar, with valine, which is neutral and non-polar, at codon 73 of the WDR1 protein (p.Ile73Val). The frequency data for this variant in the population databases is considered unreliable, as metrics indicate poor data quality at this position in the gnomAD database. This variant has not been reported in the literature in individuals affected with WDR1-related conditions. An algorithm developed to predict the effect of missense changes on protein structure and function outputs the following: PolyPhen-2: "Benign". The valine amino acid residue is found in multiple mammalian species, which suggests that this missense change does not adversely affect protein function. In summary, the available evidence is currently insufficient to determine the role of this variant in disease. Therefore, it has been classified as a Variant of Uncertain Significance.

NM_017491.5(WDR1):c.217A>G (p.Ile73Val)

Gene: WDR1 (WD repeat domain 1; minus strand). Cytogenetic location: 4p16.1.
Variant type: single nucleotide variant.
Coding change: c.217A>G on transcript NM_017491.5 (MANE Select); coding-DNA position 217, A replaced by G.
Protein change: p.Ile73Val; replaces isoleucine 73 with valine.
Molecular consequence: missense variant. On other transcripts: intron variant (1).
Genome position (GRCh38, 1-based): chr4:10,103,908, T>C on the plus strand (A>G on the coding strand, the complement: WDR1 is on the minus strand). VCF-style: chr4-10103908-T-C. GRCh37 (hg19) VCF-style: chr4-10105532-T-C.
Other names: c.138+12205A>G (NM_005112.5); short protein forms I73V.
Identifiers: ClinVar variation 4725234 (VCV004725234.1).
Genomic context (GRCh38, chr4:10,103,908, plus strand): 5'-CCACCCAGGCCCCCACAGGTGTCCACGAGCCTTGCCCCCATACAGTACCTCCGGAGGCAA[T>C]GTAGAATCCGCTGGGCGCATACTTGGCCACCACCACCTGATGGGCGTGCTCTGTGTAGAT-3'
Protein context (NP_059830.1, residues 63-83): VAKYAPSGFY[Ile73Val]ASGDVSGKLR